The following is an entry in ClinVar:

ClinVar aggregate classification (germline): Uncertain significance. Review status: criteria provided, multiple submitters, no conflicts (2 of 4 stars). 4 submissions from 4 submitters: Uncertain significance (4). Last evaluated 2024-09-20.

Conditions:
Pyruvate carboxylase deficiency. Also called: Pyruvate Carboxylase Deficiency Disease; ATAXIA WITH LACTIC ACIDOSIS II; PC DEFICIENCY; LEIGH NECROTIZING ENCEPHALOPATHY DUE TO PYRUVATE CARBOXYLASE DEFICIENCY; LEIGH SYNDROME DUE TO PYRUVATE CARBOXYLASE DEFICIENCY. Identifiers: Orphanet 3008, MedGen C0034341, MONDO:0009949, OMIM 266150.

Allele frequency attached by ClinVar (database versions not stated): 1000 Genomes Project 30x 0.00016; gnomAD 0.00016; 1000 Genomes Project 0.00020; TOPMed 0.00022; gnomAD exomes 0.00023 and 0.00028; ExAC 0.00024; ESP Exome Variant Server 0.00046.
gnomAD v4.1: 445 of 1,613,660 alleles (0.028%); highest among the groups gnomAD compares: Non-Finnish European, 0.035%; 1 homozygote.

Submissions (5):

Blueprint Genetics
Classification: Uncertain significance. Last evaluated: 2024-09-20. Review status: criteria provided, single submitter. Criteria: ACMG Guidelines, 2015. Collection method: clinical testing. Allele origin: germline.

Labcorp Genetics (formerly Invitae), Labcorp
Classification: Uncertain significance for Pyruvate carboxylase deficiency. Last evaluated: 2022-09-13. Review status: criteria provided, single submitter. Criteria: Invitae Variant Classification Sherloc (09022015). Collection method: clinical testing. Allele origin: germline.
Comment: This sequence change replaces alanine, which is neutral and non-polar, with valine, which is neutral and non-polar, at codon 935 of the PC protein (p.Ala935Val). This variant is present in population databases (rs139540331, gnomAD 0.04%). This variant has not been reported in the literature in individuals affected with PC-related conditions. ClinVar contains an entry for this variant (Variation ID: 203915). Advanced modeling of protein sequence and biophysical properties (such as structural, functional, and spatial information, amino acid conservation, physicochemical variation, residue mobility, and thermodynamic stability) has been performed at Invitae for this missense variant, however the output from this modeling did not meet the statistical confidence thresholds required to predict the impact of this variant on PC protein function. Algorithms developed to predict the effect of sequence changes on RNA splicing suggest that this variant may create or strengthen a splice site. In summary, the available evidence is currently insufficient to determine the role of this variant in disease. Therefore, it has been classified as a Variant of Uncertain Significance.

Illumina Laboratory Services, Illumina
Classification: Uncertain significance for Pyruvate carboxylase deficiency. Last evaluated: 2018-01-12. Review status: criteria provided, single submitter. Criteria: ICSL Variant Classification Criteria 13 December 2019. Collection method: clinical testing. Allele origin: germline.

CeGaT Center for Human Genetics Tuebingen
Classification: Uncertain significance. Last evaluated: 2016-09-01. Review status: criteria provided, single submitter. Criteria: CeGaT Center For Human Genetics Tuebingen Variant Classification Criteria Version 2. Collection method: clinical testing. Allele origin: germline. Affected: yes. Observed: 1 variant allele.

Dr. Peter K. Rogan Lab, Western University
No classification provided (evidence only). Condition: Thymoma. Review status: no classification provided. Collection method: in vitro. Allele origin: not applicable. Functional consequence: retained intron. Not counted in ClinVar's aggregate classification.

NM_001040716.2(PC):c.2804C>T (p.Ala935Val)

Gene: PC (pyruvate carboxylase; minus strand). Cytogenetic location: 11q13.2.
Variant type: single nucleotide variant.
Coding change: c.2804C>T on transcript NM_001040716.2 (MANE Select); coding-DNA position 2804, C replaced by T.
Protein change: p.Ala935Val; replaces alanine 935 with valine.
Molecular consequence: missense variant.
Genome position (GRCh38, 1-based): chr11:66,850,031, G>A on the plus strand (C>T on the coding strand, the complement: PC is on the minus strand). VCF-style: chr11-66850031-G-A. GRCh37 (hg19) VCF-style: chr11-66617502-G-A.
Other names: c.2804C>T, p.Ala935Val (NM_000920.4, NM_022172.3); short protein forms A935V.
Identifiers: ClinVar variation 203915 (VCV000203915.51), dbSNP rs139540331, ClinGen allele CA312905.